The following is an entry in ClinVar:

ClinVar aggregate classification (germline): Pathogenic (1 of 4 stars; one submission).

Submission:

ISCA Site 6
Classification: Pathogenic. Last evaluated: 2011-08-12. Review status: criteria provided, single submitter. Criteria: Kaminsky et al. (Genet Med. 2011). Collection method: clinical testing. Allele origin: unknown. Affected: yes. Observed: 1 variant allele.
Comment: Copy number variation identified through the course of routine clinical cytogenomic testing in postnatal populations. Clinical assertions have been curated as described in Kaminsky et al. 2011.

GRCh38/hg38 5p15.33-15.1(chr5:2180761-17602433)x1

Genes: LSINCT5 (long stress-induced non-coding transcript 5; plus strand), MARCHF11 (membrane associated ring-CH-type finger 11; minus strand), MARCHF11-AS1 (MARCHF11 antisense RNA 1; plus strand), MARCHF11-DT (MARCHF11 divergent transcript; plus strand), MARCHF6 (membrane associated ring-CH-type finger 6; plus strand) and 334 more. Cytogenetic location: 5p15.33-15.1.
Variant type: copy number loss.
Change: copy number 1 (one copy instead of two) of chr5:2,180,761-17,602,433 (15.42 Mb, GRCh38 coordinates, 1-based), cytogenetic band 5p15.33-15.1.
Identifiers: ClinVar variation 59603 (VCV000059603.2).